The following is an entry in ClinVar:

ClinVar aggregate classification (germline): Uncertain significance. Review status: criteria provided, multiple submitters, no conflicts (2 of 4 stars). 3 submissions from 3 submitters: Uncertain significance (3). Last evaluated 2023-08-15.

Conditions:
Wilson disease (WND). Also called: Wilson's disease. Identifiers: Orphanet 905, MedGen C0019202, MONDO:0010200, OMIM 277900. Disease mechanism: loss of function.

Allele frequency attached by ClinVar (database versions not stated): gnomAD exomes 0.00001; gnomAD 0.00004 and 0.00005; TOPMed 0.00004.
gnomAD v4.1: 23 of 1,614,264 alleles (0.0014%); highest among the groups gnomAD compares: Middle Eastern, 0.033%; no homozygotes.

Submissions (3):

All of Us Research Program, National Institutes of Health
Classification: Uncertain significance for Wilson disease. Last evaluated: 2023-08-15. Review status: criteria provided, single submitter. Criteria: ACMG Guidelines, 2015. Collection method: clinical testing. Allele origin: germline. Inheritance: Autosomal recessive inheritance. Observed: 2 variant alleles, 2 heterozygotes.
Comment: This missense variant replaces glutamic acid with lysine at codon 45 of the ATP7B protein. Computational prediction is inconclusive regarding the impact of this variant on protein structure and function (internally defined REVEL score threshold 0.5 < inconclusive < 0.7, PMID: 27666373). To our knowledge, functional studies have not been reported for this variant. This variant has not been reported in individuals affected with ATP7B-related disorders in the literature. This variant has been identified in 2/249434 chromosomes in the general population by the Genome Aggregation Database (gnomAD). The available evidence is insufficient to determine the role of this variant in disease conclusively. Therefore, this variant is classified as a Variant of Uncertain Significance.

This study involves interpretation of variants in research participants for the purpose of population health screening. Participant phenotype was not available at the time of variant classification. Additional details can be found in publication PMID: 35346344, PMCID: PMC8962531

Labcorp Genetics (formerly Invitae), Labcorp
Classification: Uncertain significance for Wilson disease. Last evaluated: 2022-05-22. Review status: criteria provided, single submitter. Criteria: Invitae Variant Classification Sherloc (09022015). Collection method: clinical testing. Allele origin: germline.
Comment: This sequence change replaces glutamic acid, which is acidic and polar, with lysine, which is basic and polar, at codon 45 of the ATP7B protein (p.Glu45Lys). This variant is present in population databases (rs777504965, gnomAD 0.003%). This variant has not been reported in the literature in individuals affected with ATP7B-related conditions. ClinVar contains an entry for this variant (Variation ID: 312400). Algorithms developed to predict the effect of missense changes on protein structure and function are either unavailable or do not agree on the potential impact of this missense change (SIFT: "Deleterious"; PolyPhen-2: "Possibly Damaging"; Align-GVGD: "Class C0"). In summary, the available evidence is currently insufficient to determine the role of this variant in disease. Therefore, it has been classified as a Variant of Uncertain Significance.

Illumina Laboratory Services, Illumina
Classification: Uncertain significance for Wilson disease. Last evaluated: 2018-01-12. Review status: criteria provided, single submitter. Criteria: ICSL Variant Classification Criteria 13 December 2019. Collection method: clinical testing. Allele origin: germline.

NM_000053.4(ATP7B):c.133G>A (p.Glu45Lys)

Gene: ATP7B (ATPase copper transporting beta; minus strand). Cytogenetic location: 13q14.3.
Variant type: single nucleotide variant.
Coding change: c.133G>A on transcript NM_000053.4 (MANE Select); coding-DNA position 133, G replaced by A.
Protein change: p.Glu45Lys; replaces glutamic acid 45 with lysine.
Molecular consequence: missense variant.
Genome position (GRCh38, 1-based): chr13:51,975,087, C>T on the plus strand (G>A on the coding strand, the complement: ATP7B is on the minus strand). VCF-style: chr13-51975087-C-T. GRCh37 (hg19) VCF-style: chr13-52549223-C-T.
Other names: c.133G>A, p.Glu45Lys (NM_001005918.3, NM_001243182.2, NM_001330578.2 and 1 more transcripts); short protein forms E45K.
Identifiers: ClinVar variation 312400 (VCV000312400.7), dbSNP rs777504965, ClinGen allele CA10639708.